The following is an entry in ClinVar:

NM_001375.3(DNASE2):c.1021G>T (p.Val341Leu)

Gene: DNASE2 (deoxyribonuclease 2, lysosomal; minus strand). Cytogenetic location: 19p13.13.
Variant type: single nucleotide variant.
Coding change: c.1021G>T on transcript NM_001375.3 (MANE Select); coding-DNA position 1021, G replaced by T.
Protein change: p.Val341Leu; replaces valine 341 with leucine.
Molecular consequence: missense variant.
Genome position (GRCh38, 1-based): chr19:12,876,052, C>A on the plus strand (G>T on the coding strand, the complement: DNASE2 is on the minus strand). VCF-style: chr19-12876052-C-A. GRCh37 (hg19) VCF-style: chr19-12986866-C-A.
Other names: short protein forms V341L.
Identifiers: ClinVar variation 1498679 (VCV001498679.8), dbSNP rs372056336, ClinGen allele CA9233647.

ClinVar aggregate classification (germline): Uncertain significance. Review status: criteria provided, multiple submitters, no conflicts (2 of 4 stars). 3 submissions from 3 submitters: Uncertain significance (3). Last evaluated 2025-12-09.

Allele frequency attached by ClinVar (database versions not stated): ExAC 0.00003; gnomAD 0.00003 and 0.00004; gnomAD exomes 0.00003 and 0.00004; TOPMed 0.00004; ESP Exome Variant Server 0.00008.
gnomAD v4.1: 45 of 1,613,908 alleles (0.0028%); highest among the groups gnomAD compares: Non-Finnish European, 0.0031%; no homozygotes.

Submissions (3):

Women's Health and Genetics/Laboratory Corporation of America, LabCorp
Classification: Uncertain significance. Last evaluated: 2025-12-09. Review status: criteria provided, single submitter. Criteria: LabCorp Variant Classification Summary - May 2015. Collection method: clinical testing. Allele origin: germline.
Comment: Variant summary: DNASE2 c.1021G>T (p.Val341Leu) results in a conservative amino acid change in the encoded protein sequence. Algorithms developed to predict the effect of missense changes on protein structure and function are either unavailable or do not agree on the potential impact of this missense change. The variant allele was found at a frequency of 4e-05 in 250360 control chromosomes. This frequency is not significantly higher than estimated for disease-causing variants in DNASE2, allowing no conclusion about variant significance. To our knowledge, no occurrence of c.1021G>T in individuals affected with DNASE2-related conditions and no experimental evidence demonstrating its impact on protein function have been reported. ClinVar contains an entry for this variant (Variation ID: 1498679). Based on the evidence outlined above, the variant was classified as uncertain significance.

Blueprint Genetics
Classification: Uncertain significance. Last evaluated: 2024-01-03. Review status: criteria provided, single submitter. Criteria: ACMG Guidelines, 2015. Collection method: clinical testing. Allele origin: germline.

Labcorp Genetics (formerly Invitae), Labcorp
Classification: Uncertain significance. Last evaluated: 2022-06-20. Review status: criteria provided, single submitter. Criteria: Invitae Variant Classification Sherloc (09022015). Collection method: clinical testing. Allele origin: germline.
Comment: This sequence change replaces valine, which is neutral and non-polar, with leucine, which is neutral and non-polar, at codon 341 of the DNASE2 protein (p.Val341Leu). This variant is present in population databases (rs372056336, gnomAD 0.01%). This variant has not been reported in the literature in individuals affected with DNASE2-related conditions. Algorithms developed to predict the effect of missense changes on protein structure and function are either unavailable or do not agree on the potential impact of this missense change (SIFT: "Deleterious"; PolyPhen-2: "Probably Damaging"; Align-GVGD: "Class C0"). In summary, the available evidence is currently insufficient to determine the role of this variant in disease. Therefore, it has been classified as a Variant of Uncertain Significance.